The following is an entry in ClinVar:

NM_004336.5(BUB1):c.1559T>C (p.Ile520Thr)

Gene: BUB1 (BUB1 mitotic checkpoint serine/threonine kinase; minus strand). Cytogenetic location: 2q13.
Variant type: single nucleotide variant.
Coding change: c.1559T>C on transcript NM_004336.5 (MANE Select); coding-DNA position 1559, T replaced by C.
Protein change: p.Ile520Thr; replaces isoleucine 520 with threonine.
Molecular consequence: missense variant.
Genome position (GRCh38, 1-based): chr2:110,657,603, A>G on the plus strand (T>C on the coding strand, the complement: BUB1 is on the minus strand). VCF-style: chr2-110657603-A-G. GRCh37 (hg19) VCF-style: chr2-111415180-A-G.
Other names: c.1499T>C, p.Ile500Thr (NM_001278616.2); c.1559T>C, p.Ile520Thr (NM_001278617.2); short protein forms I500T, I520T.
Identifiers: ClinVar variation 3224009 (VCV003224009.1), dbSNP rs2468007562, ClinGen allele CA348211989.

ClinVar aggregate classification (germline): Uncertain significance (1 of 4 stars; one submission).

Submission:

Ambry Genetics
Classification: Uncertain significance. Last evaluated: 2023-09-17. Review status: criteria provided, single submitter. Criteria: Ambry Variant Classification Scheme 2023. Collection method: clinical testing. Allele origin: germline.
Comment: The p.I520T variant (also known as c.1559T>C), located in coding exon 14 of the BUB1 gene, results from a T to C substitution at nucleotide position 1559. The isoleucine at codon 520 is replaced by threonine, an amino acid with similar properties. This amino acid position is conserved. In addition, this alteration is predicted to be tolerated by in silico analysis. Since supporting evidence is limited at this time, the clinical significance of this alteration remains unclear.